The following is an entry in ClinVar:

ClinVar aggregate classification (germline): Conflicting classifications of pathogenicity. Review status: criteria provided, conflicting classifications (1 of 4 stars). 5 submissions from 5 submitters: Uncertain significance (3); Likely benign (1). 1 of the submissions does not count toward it. Last evaluated 2025-12-30.

Conditions:
Brody myopathy. Also called: BRODY DISEASE. Identifiers: Orphanet 53347, MedGen C1832918, MONDO:0010977, OMIM 601003.
ATP2A1-related disorder. Also called: ATP2A1-related condition.

Allele frequency attached by ClinVar (database versions not stated): ExAC 0.00016; TOPMed 0.00061; gnomAD exomes 0.00011 and 0.00013; 1000 Genomes Project 30x 0.00109; ESP Exome Variant Server 0.00031; 1000 Genomes Project 0.00080; gnomAD 0.00048 and 0.00052.
gnomAD v4.1: 245 of 1,614,082 alleles (0.015%); highest among the groups gnomAD compares: African/African-American, 0.16%; no homozygotes.

Submissions (5):

GeneDx
Classification: Uncertain significance. Last evaluated: 2025-12-30. Review status: criteria provided, single submitter. Criteria: GeneDx Variant Classification Process June 2021. Collection method: clinical testing. Allele origin: germline.
Comment: In silico analysis suggests that this missense variant does not alter protein structure/function; Has not been previously published as pathogenic or benign to our knowledge

Mayo Clinic Laboratories, Mayo Clinic
Classification: Uncertain significance. Last evaluated: 2024-03-01. Review status: criteria provided, single submitter. Criteria: ACMG Guidelines, 2015. Collection method: clinical testing. Allele origin: germline. Observed: 1 variant allele.
Comment: BS1

Revvity Omics, Revvity
Classification: Likely benign for Brody myopathy. Last evaluated: 2023-10-16. Review status: criteria provided, single submitter. Criteria: ACMG Guidelines, 2015. Collection method: clinical testing. Allele origin: germline.

Labcorp Genetics (formerly Invitae), Labcorp
Classification: Uncertain significance for Brody myopathy. Last evaluated: 2022-08-19. Review status: criteria provided, single submitter. Criteria: Invitae Variant Classification Sherloc (09022015). Collection method: clinical testing. Allele origin: germline.
Comment: This sequence change replaces arginine, which is basic and polar, with histidine, which is basic and polar, at codon 476 of the ATP2A1 protein (p.Arg476His). This variant is present in population databases (rs150068594, gnomAD 0.2%). This variant has not been reported in the literature in individuals affected with ATP2A1-related conditions. ClinVar contains an entry for this variant (Variation ID: 464076). Algorithms developed to predict the effect of missense changes on protein structure and function are either unavailable or do not agree on the potential impact of this missense change (SIFT: "Deleterious"; PolyPhen-2: "Possibly Damaging"; Align-GVGD: "Class C0"). In summary, the available evidence is currently insufficient to determine the role of this variant in disease. Therefore, it has been classified as a Variant of Uncertain Significance.

PreventionGenetics, part of Exact Sciences
Classification: Likely benign for ATP2A1-related condition. Last evaluated: 2022-02-02. Review status: no assertion criteria provided. Collection method: clinical testing. Allele origin: germline. Not counted in ClinVar's aggregate classification.
Comment: This variant is classified as likely benign based on ACMG/AMP sequence variant interpretation guidelines (Richards et al. 2015 PMID: 25741868, with internal and published modifications).

NM_004320.6(ATP2A1):c.1427G>A (p.Arg476His)

Gene: ATP2A1 (ATPase sarcoplasmic/endoplasmic reticulum Ca2+ transporting 1; plus strand). Cytogenetic location: 16p11.2.
Variant type: single nucleotide variant.
Coding change: c.1427G>A on transcript NM_004320.6 (MANE Select); coding-DNA position 1427, G replaced by A.
Protein change: p.Arg476His; replaces arginine 476 with histidine.
Molecular consequence: missense variant.
Genome position (GRCh38, 1-based): chr16:28,898,007, G>A. VCF-style: chr16-28898007-G-A. GRCh37 (hg19) VCF-style: chr16-28909328-G-A.
Other names: p.Arg476His; c.1427G>A (NM_173201.4); c.1052G>A, p.Arg351His (NM_001286075.2); c.1427G>A, p.Arg476His (NM_173201.5); short protein forms R476H, R351H.
Identifiers: ClinVar variation 464076 (VCV000464076.11), dbSNP rs150068594, ClinGen allele CA7986979.